The following is an entry in ClinVar:

ClinVar aggregate classification (germline): Uncertain significance. Review status: criteria provided, multiple submitters, no conflicts (2 of 4 stars). 2 submissions from 2 submitters: Uncertain significance (2). Last evaluated 2026-10-02.

Allele frequency attached by ClinVar (database versions not stated): ExAC 0.00001; gnomAD 0.00001.
gnomAD v4.1: 3 of 1,613,794 alleles (0.00019%); highest among the groups gnomAD compares: Non-Finnish European, 0.00025%; no homozygotes.

Submissions (2):

GeneDx
Classification: Uncertain significance. Last evaluated: 2026-10-02. Review status: criteria provided, single submitter. Criteria: GeneDx Variant Classification Process June 2021. Collection method: clinical testing. Allele origin: germline.
Comment: Not observed at significant frequency in large population cohorts (gnomAD); In silico analysis suggests that this missense variant does not alter protein structure/function; Has not been previously published as pathogenic or benign to our knowledge

Labcorp Genetics (formerly Invitae), Labcorp
Classification: Uncertain significance. Last evaluated: 2022-03-08. Review status: criteria provided, single submitter. Criteria: Invitae Variant Classification Sherloc (09022015). Collection method: clinical testing. Allele origin: germline.
Comment: This sequence change replaces methionine, which is neutral and non-polar, with valine, which is neutral and non-polar, at codon 228 of the TK2 protein (p.Met228Val). This variant is present in population databases (rs766038334, gnomAD 0.007%). This variant has not been reported in the literature in individuals affected with TK2-related conditions. Advanced modeling of protein sequence and biophysical properties (such as structural, functional, and spatial information, amino acid conservation, physicochemical variation, residue mobility, and thermodynamic stability) performed at Invitae indicates that this missense variant is not expected to disrupt TK2 protein function. In summary, the available evidence is currently insufficient to determine the role of this variant in disease. Therefore, it has been classified as a Variant of Uncertain Significance.

NM_004614.5(TK2):c.682A>G (p.Met228Val)

Gene: TK2 (thymidine kinase 2; minus strand). Cytogenetic location: 16q21.
Variant type: single nucleotide variant.
Coding change: c.682A>G on transcript NM_004614.5 (MANE Select); coding-DNA position 682, A replaced by G.
Protein change: p.Met228Val; replaces methionine 228 with valine.
Molecular consequence: missense variant. On other transcripts: synonymous variant (1), non-coding transcript variant (1).
Genome position (GRCh38, 1-based): chr16:66,513,748, T>C on the plus strand (A>G on the coding strand, the complement: TK2 is on the minus strand). VCF-style: chr16-66513748-T-C. GRCh37 (hg19) VCF-style: chr16-66547651-T-C.
Other names: c.589A>G, p.Met197Val (NM_001172643.1); c.607A>G, p.Met203Val (NM_001172644.2); c.628A>G, p.Met210Val (NM_001172645.2); c.535A>G, p.Met179Val (NM_001271934.2); c.420A>G, p.Pro140= (NM_001271935.1); c.391A>G, p.Met131Val (NM_001272050.2); c.682A>G (NM_004614.4); short protein forms M210V, M228V, M179V, M197V, M131V, M203V.
Identifiers: ClinVar variation 1355681 (VCV001355681.7), dbSNP rs766038334, ClinGen allele CA8093587.